The following is an entry in ClinVar:

NM_198503.5(KCNT2):c.2306G>C (p.Cys769Ser)

Gene: KCNT2 (potassium sodium-activated channel subfamily T member 2; minus strand). Cytogenetic location: 1q31.3.
Variant type: single nucleotide variant.
Coding change: c.2306G>C on transcript NM_198503.5 (MANE Select); coding-DNA position 2306, G replaced by C.
Protein change: p.Cys769Ser; replaces cysteine 769 with serine.
Molecular consequence: missense variant. On other transcripts: non-coding transcript variant (1), intron variant (2).
Genome position (GRCh38, 1-based): chr1:196,319,526, C>G on the plus strand (G>C on the coding strand, the complement: KCNT2 is on the minus strand). VCF-style: chr1-196319526-C-G. GRCh37 (hg19) VCF-style: chr1-196288656-C-G.
Other names: c.2127-3500G>C (NM_001287820.3); c.2277-3500G>C (NM_001287819.3); short protein forms C769S.
Identifiers: ClinVar variation 1704832 (VCV001704832.2), dbSNP rs760245363, ClinGen allele CA1304231.

ClinVar aggregate classification (germline): Uncertain significance (1 of 4 stars; one submission).

Allele frequency attached by ClinVar (database versions not stated): gnomAD exomes below 0.00001; TOPMed below 0.00001; ExAC 0.00001; gnomAD 0.00001.
gnomAD v4.1: 6 of 1,610,064 alleles (0.00037%); highest among the groups gnomAD compares: Admixed American, 0.0017%; no homozygotes.

Submission:

GeneDx
Classification: Uncertain significance. Last evaluated: 2022-03-07. Review status: criteria provided, single submitter. Criteria: GeneDx Variant Classification Process June 2021. Collection method: clinical testing. Allele origin: germline. Affected: yes.
Comment: Has not been previously published as pathogenic or benign to our knowledge; Not observed at significant frequency in large population cohorts (gnomAD); In silico analysis supports that this missense variant has a deleterious effect on protein structure/function